The following is an entry in ClinVar:

ClinVar aggregate classification (germline): Conflicting classifications of pathogenicity. Review status: criteria provided, conflicting classifications (1 of 4 stars). 2 submissions from 2 submitters: Uncertain significance (1); Likely benign (1). Last evaluated 2026-06-17.

Conditions:
RP1L1-related disorder. Also called: RP1L1-related condition.

gnomAD v4.1: 97 of 1,612,178 alleles (0.006%); highest among the groups gnomAD compares: South Asian, 0.071%; no homozygotes.

Submissions (2):

PreventionGenetics, part of Exact Sciences
Classification: Uncertain significance for RP1L1-related condition. Last evaluated: 2026-06-17. Review status: criteria provided, single submitter. Criteria: ACMG Guidelines, 2015. Collection method: clinical testing. Allele origin: germline.
Comment: The RP1L1 c.1267C>T variant is predicted to result in the amino acid substitution p.Arg423Trp. To our knowledge, this variant has not been reported in the literature. This variant is reported in 0.092% of alleles in individuals of South Asian descent in gnomAD, which may be too frequent to be a primary cause of disease. Although we suspect that this variant may be benign, at this time, the clinical significance of this variant is uncertain due to the absence of conclusive functional and genetic evidence.

Blueprint Genetics
Classification: Likely benign. Last evaluated: 2024-08-12. Review status: criteria provided, single submitter. Criteria: ACMG Guidelines, 2015. Collection method: clinical testing. Allele origin: germline.

NM_178857.6(RP1L1):c.1267C>T (p.Arg423Trp)

Gene: RP1L1 (RP1 like 1). Cytogenetic location: 8p23.1.
Variant type: single nucleotide variant.
Coding change: c.1267C>T on transcript NM_178857.6 (MANE Select); coding-DNA position 1267, C replaced by T.
Protein change: p.Arg423Trp; replaces arginine 423 with tryptophan.
Molecular consequence: missense variant.
Genome position (GRCh38, 1-based): chr8:10,612,831, G>A on the plus strand (C>T on the coding strand, the complement: RP1L1 is on the minus strand). VCF-style: chr8-10612831-G-A. GRCh37 (hg19) VCF-style: chr8-10470341-G-A.
Other names: c.1267C>T (NM_178857.5); short protein forms R423W.
Identifiers: ClinVar variation 4899375 (VCV004899375.2).